The following is an entry in ClinVar:

NM_007209.4(RPL35):c.294C>G (p.His98Gln)

Gene: RPL35 (ribosomal protein L35; minus strand). Cytogenetic location: 9q33.3.
Variant type: single nucleotide variant.
Coding change: c.294C>G on transcript NM_007209.4 (MANE Select); coding-DNA position 294, C replaced by G.
Protein change: p.His98Gln; replaces histidine 98 with glutamine.
Molecular consequence: missense variant.
Genome position (GRCh38, 1-based): chr9:124,857,996, G>C on the plus strand (C>G on the coding strand, the complement: RPL35 is on the minus strand). VCF-style: chr9-124857996-G-C. GRCh37 (hg19) VCF-style: chr9-127620275-G-C.
Other names: p.His98Gln; short protein forms H98Q.
Identifiers: ClinVar variation 2722653 (VCV002722653.4), dbSNP rs192683197, ClinGen allele CA5237187.

ClinVar aggregate classification (germline): Uncertain significance. Review status: criteria provided, multiple submitters, no conflicts (2 of 4 stars). 2 submissions from 2 submitters: Uncertain significance (2). Last evaluated 2025-10-17.

Submissions (2):

Mayo Clinic Laboratories, Mayo Clinic
Classification: Uncertain significance. Last evaluated: 2025-10-17. Review status: criteria provided, single submitter. Criteria: ACMG Guidelines, 2015. Collection method: clinical testing. Allele origin: germline. Observed: 1 variant allele.
Comment: BP4, PM2_supporting

Labcorp Genetics (formerly Invitae), Labcorp
Classification: Uncertain significance. Last evaluated: 2023-08-17. Review status: criteria provided, single submitter. Criteria: Invitae Variant Classification Sherloc (09022015). Collection method: clinical testing. Allele origin: germline.
Comment: In summary, the available evidence is currently insufficient to determine the role of this variant in disease. Therefore, it has been classified as a Variant of Uncertain Significance. An algorithm developed to predict the effect of missense changes on protein structure and function (PolyPhen-2) suggests that this variant is likely to be tolerated. This variant has not been reported in the literature in individuals affected with RPL35-related conditions. This variant is present in population databases (rs192683197, gnomAD 0.005%). This sequence change replaces histidine, which is basic and polar, with glutamine, which is neutral and polar, at codon 98 of the RPL35 protein (p.His98Gln).